The following is an entry in ClinVar:

ClinVar aggregate classification (germline): Uncertain significance (1 of 4 stars; one submission).

Allele frequency attached by ClinVar (database versions not stated): gnomAD exomes below 0.00001; TOPMed below 0.00001; gnomAD 0.00001.
gnomAD v4.1: 2 of 1,613,986 alleles (0.00012%); highest among the groups gnomAD compares: Non-Finnish European, 0.00017%; no homozygotes.

Submission:

Labcorp Genetics (formerly Invitae), Labcorp
Classification: Uncertain significance. Last evaluated: 2022-02-11. Review status: criteria provided, single submitter. Criteria: Invitae Variant Classification Sherloc (09022015). Collection method: clinical testing. Allele origin: germline.
Comment: This variant has not been reported in the literature in individuals affected with ADAMTS18-related conditions. This variant is not present in population databases (gnomAD no frequency). This sequence change replaces cysteine, which is neutral and slightly polar, with arginine, which is basic and polar, at codon 453 of the ADAMTS18 protein (p.Cys453Arg). In summary, the available evidence is currently insufficient to determine the role of this variant in disease. Therefore, it has been classified as a Variant of Uncertain Significance. Algorithms developed to predict the effect of missense changes on protein structure and function are either unavailable or do not agree on the potential impact of this missense change (SIFT: "Not Available"; PolyPhen-2: "Probably Damaging"; Align-GVGD: "Not Available").

NM_199355.4(ADAMTS18):c.1357T>C (p.Cys453Arg)

Gene: ADAMTS18 (ADAM metallopeptidase with thrombospondin type 1 motif 18; minus strand). Cytogenetic location: 16q23.1.
Variant type: single nucleotide variant.
Coding change: c.1357T>C on transcript NM_199355.4 (MANE Select); coding-DNA position 1357, T replaced by C.
Protein change: p.Cys453Arg; replaces cysteine 453 with arginine.
Molecular consequence: missense variant.
Genome position (GRCh38, 1-based): chr16:77,356,043, A>G on the plus strand (T>C on the coding strand, the complement: ADAMTS18 is on the minus strand). VCF-style: chr16-77356043-A-G. GRCh37 (hg19) VCF-style: chr16-77389940-A-G.
Other names: c.841T>C, p.Cys281Arg (NM_001326358.2); short protein forms C281R, C453R.
Identifiers: ClinVar variation 2049297 (VCV002049297.4), dbSNP rs1409263610, ClinGen allele CA396834912.